The following is an entry in ClinVar:

ClinVar aggregate classification (germline): Conflicting classifications of pathogenicity. Review status: criteria provided, conflicting classifications (1 of 4 stars). 3 submissions from 3 submitters: Uncertain significance (2); Likely benign (1). Last evaluated 2024-05-30.

Conditions:
Hereditary cancer-predisposing syndrome. Also called: Neoplastic Syndromes, Hereditary; Tumor predisposition; Hereditary Cancer Syndrome; Hereditary neoplastic syndrome. Identifiers: Orphanet 140162, MedGen C0027672, MeSH D009386, MONDO:0015356.
Hereditary nonpolyposis colorectal neoplasms. Identifiers: MedGen C0009405, MeSH D003123.

Submissions (3):

Ambry Genetics
Classification: Likely benign for Hereditary cancer-predisposing syndrome. Last evaluated: 2024-05-30. Review status: criteria provided, single submitter. Criteria: Ambry Variant Classification Scheme 2023. Collection method: clinical testing. Allele origin: germline.

Labcorp Genetics (formerly Invitae), Labcorp
Classification: Uncertain significance for Hereditary nonpolyposis colorectal neoplasms. Last evaluated: 2023-05-17. Review status: criteria provided, single submitter. Criteria: Invitae Variant Classification Sherloc (09022015). Collection method: clinical testing. Allele origin: germline.
Comment: In summary, the available evidence is currently insufficient to determine the role of this variant in disease. Therefore, it has been classified as a Variant of Uncertain Significance. ClinVar contains an entry for this variant (Variation ID: 919977). Advanced modeling of protein sequence and biophysical properties (such as structural, functional, and spatial information, amino acid conservation, physicochemical variation, residue mobility, and thermodynamic stability) performed at Invitae indicates that this missense variant is not expected to disrupt PMS2 protein function. This sequence change replaces alanine, which is neutral and non-polar, with serine, which is neutral and polar, at codon 539 of the PMS2 protein (p.Ala539Ser). This variant is not present in population databases (gnomAD no frequency). This variant has not been reported in the literature in individuals affected with PMS2-related conditions.

Color Diagnostics, LLC DBA Color Health
Classification: Uncertain significance for Hereditary cancer-predisposing syndrome. Last evaluated: 2019-04-23. Review status: criteria provided, single submitter. Criteria: ACMG Guidelines, 2015. Collection method: clinical testing. Allele origin: germline.

NM_000535.7(PMS2):c.1615G>T (p.Ala539Ser)

Gene: PMS2 (PMS1 homolog 2, mismatch repair system component; minus strand). Cytogenetic location: 7p22.1.
Variant type: single nucleotide variant.
Coding change: c.1615G>T on transcript NM_000535.7 (MANE Select); coding-DNA position 1615, G replaced by T.
Protein change: p.Ala539Ser; replaces alanine 539 with serine.
Molecular consequence: missense variant. On other transcripts: non-coding transcript variant (1).
Genome position (GRCh38, 1-based): chr7:5,987,150, C>A on the plus strand (G>T on the coding strand, the complement: PMS2 is on the minus strand). VCF-style: chr7-5987150-C-A. GRCh37 (hg19) VCF-style: chr7-6026781-C-A.
Other names: c.1210G>T, p.Ala404Ser (NM_001322003.2, NM_001322004.2, NM_001322005.2 and 1 more transcripts); c.1459G>T, p.Ala487Ser (NM_001322006.2); c.1297G>T, p.Ala433Ser (NM_001322007.2, NM_001322008.2); c.1054G>T, p.Ala352Ser (NM_001322010.2); c.682G>T, p.Ala228Ser (NM_001322011.2, NM_001322012.2); c.1042G>T, p.Ala348Ser (NM_001322013.2); c.1615G>T, p.Ala539Ser (NM_001322014.2); c.1306G>T, p.Ala436Ser (NM_001322015.2); and 1 more; short protein forms A404S, A433S, A539S, A228S, A352S, A436S, A348S, A487S.
Identifiers: ClinVar variation 919977 (VCV000919977.12), dbSNP rs1783031685, ClinGen allele CA366741472.